The following is an entry in ClinVar:

NM_133462.4(TTC14):c.2034T>C (p.Ser678=)

Gene: TTC14 (tetratricopeptide repeat domain 14; plus strand). Cytogenetic location: 3q26.33.
Variant type: single nucleotide variant.
Coding change: c.2034T>C on transcript NM_133462.4 (MANE Select); coding-DNA position 2034, T replaced by C.
Protein change: p.Ser678=; no amino-acid change (serine 678 retained).
Molecular consequence: synonymous variant. On other transcripts: 3 prime UTR variant (1), intron variant (1).
Genome position (GRCh38, 1-based): chr3:180,610,263, T>C. VCF-style: chr3-180610263-T-C. GRCh37 (hg19) VCF-style: chr3-180328051-T-C.
Other names: c.*2468T>C (NM_001042601.3); c.1774+260T>C (NM_001288582.2).
Identifiers: ClinVar variation 3050923 (VCV003050923.2), dbSNP rs377072536, ClinGen allele CA2715500.

ClinVar aggregate classification (germline): Likely benign (0 of 4 stars; one submission).

Conditions:
TTC14-related disorder. Also called: TTC14-related condition.

Allele frequency attached by ClinVar (database versions not stated): gnomAD 0.00003; gnomAD exomes 0.00004; ExAC 0.00007; ESP Exome Variant Server 0.00008.

Submission:

PreventionGenetics, part of Exact Sciences
Classification: Likely benign for TTC14-related condition. Last evaluated: 2020-02-26. Review status: no assertion criteria provided. Collection method: clinical testing. Allele origin: germline.
Comment: This variant is classified as likely benign based on ACMG/AMP sequence variant interpretation guidelines (Richards et al. 2015 PMID: 25741868, with internal and published modifications).